The following is an entry in ClinVar:

ClinVar aggregate classification (germline): Uncertain significance (1 of 4 stars; one submission).

Conditions:
Familial adenomatous polyposis 1 (FAP1). Also called: FAMILIAL ADENOMATOUS POLYPOSIS 1, ATTENUATED; POLYPOSIS, ADENOMATOUS INTESTINAL. Identifiers: MedGen C2713442, MONDO:0021056, OMIM 175100. Disease mechanism: loss of function.

Allele frequency attached by ClinVar (database versions not stated): gnomAD exomes below 0.00001.
gnomAD v4.1: 1 of 1,369,060 alleles (0.000073%); highest among the groups gnomAD compares: Admixed American, 0.0022%; no homozygotes.

Submission:

Labcorp Genetics (formerly Invitae), Labcorp
Classification: Uncertain significance for Familial adenomatous polyposis 1. Last evaluated: 2025-04-11. Review status: criteria provided, single submitter. Criteria: Invitae Variant Classification Sherloc (09022015). Collection method: clinical testing. Allele origin: germline.
Comment: This variant occurs in a non-coding region of the APC gene. It does not change the encoded amino acid sequence of the APC protein. This variant is not present in population databases (gnomAD no frequency). This variant has not been reported in the literature in individuals affected with APC-related conditions. Experimental studies and prediction algorithms are not available or were not evaluated, and the functional significance of this variant is currently unknown. In summary, the available evidence is currently insufficient to determine the role of this variant in disease. Therefore, it has been classified as a Variant of Uncertain Significance.

NM_001127511.3(APC):c.152C>A (p.Ala51Glu)

Gene: APC (APC regulator of Wnt signaling pathway; plus strand). Cytogenetic location: 5q22.2.
Variant type: single nucleotide variant.
Coding change: c.152C>A on transcript NM_001127511.3; coding-DNA position 152, C replaced by A.
Protein change: p.Ala51Glu; replaces alanine 51 with glutamic acid.
Molecular consequence: missense variant. On other transcripts: 5 prime UTR variant (8), non-coding transcript variant (1), intron variant (5).
Genome position (GRCh38, 1-based): chr5:112,707,869, C>A. VCF-style: chr5-112707869-C-A. GRCh37 (hg19) VCF-style: chr5-112043566-C-A.
Other names: c.-32C>A (NM_001354895.2, NM_001407447.1, NM_001407452.1 and 3 more transcripts); c.152C>A, p.Ala51Glu (NM_001354897.2, NM_001354902.2, NM_001407446.1); c.-1067C>A (NM_001407470.1, NM_001407472.1); c.-19+220C>A (NM_001407448.1, NM_001407450.1, NM_001407457.1 and 1 more transcripts); c.-43+220C>A (NM_001407453.1); short protein forms A51E.
Identifiers: ClinVar variation 3019040 (VCV003019040.3), dbSNP rs1373162519, ClinGen allele CA360612175.